The following is an entry in ClinVar:

ClinVar aggregate classification (germline): Uncertain significance (1 of 4 stars; one submission).

Conditions:
Progressive sclerosing poliodystrophy (MTDPS4A). Also called: Mitochondrial DNA depletion syndrome 4A (Alpers type); ALPERS PROGRESSIVE INFANTILE POLIODYSTROPHY; NEURONAL DEGENERATION OF CHILDHOOD WITH LIVER DISEASE, PROGRESSIVE; Mitochondrial DNA Depletion Syndrome 4A; Alpers-Huttenlocher Syndrome (AHS); Alpers Syndrome. Identifiers: Orphanet 726, MedGen C0205710, MONDO:0008758, OMIM 203700.

Allele frequency attached by ClinVar (database versions not stated): gnomAD exomes below 0.00001 and 0.00001; TOPMed 0.00002; ESP Exome Variant Server 0.00015.
gnomAD v4.1: 3 of 1,613,848 alleles (0.00019%); highest among the groups gnomAD compares: African/African-American, 0.004%; no homozygotes.

Submission:

Labcorp Genetics (formerly Invitae), Labcorp
Classification: Uncertain significance for Progressive sclerosing poliodystrophy. Last evaluated: 2025-03-10. Review status: criteria provided, single submitter. Criteria: Invitae Variant Classification Sherloc (09022015). Collection method: clinical testing. Allele origin: germline.
Comment: This sequence change replaces threonine, which is neutral and polar, with serine, which is neutral and polar, at codon 555 of the POLG protein (p.Thr555Ser). This variant is present in population databases (rs145496284, gnomAD 0.007%). This variant has not been reported in the literature in individuals affected with POLG-related conditions. ClinVar contains an entry for this variant (Variation ID: 1499528). An algorithm developed to predict the effect of missense changes on protein structure and function outputs the following: PolyPhen-2: "Benign". The serine amino acid residue is found in multiple mammalian species, which suggests that this missense change does not adversely affect protein function. In summary, the available evidence is currently insufficient to determine the role of this variant in disease. Therefore, it has been classified as a Variant of Uncertain Significance.

NM_002693.3(POLG):c.1663A>T (p.Thr555Ser)

Gene: POLG (DNA polymerase gamma, catalytic subunit; minus strand). Cytogenetic location: 15q26.1.
Variant type: single nucleotide variant.
Coding change: c.1663A>T on transcript NM_002693.3 (MANE Select); coding-DNA position 1663, A replaced by T.
Protein change: p.Thr555Ser; replaces threonine 555 with serine.
Molecular consequence: missense variant.
Genome position (GRCh38, 1-based): chr15:89,326,661, T>A on the plus strand (A>T on the coding strand, the complement: POLG is on the minus strand). VCF-style: chr15-89326661-T-A. GRCh37 (hg19) VCF-style: chr15-89869892-T-A.
Other names: c.1663A>T, p.Thr555Ser (NM_001126131.2); short protein forms T555S.
Identifiers: ClinVar variation 1499528 (VCV001499528.7), dbSNP rs145496284, ClinGen allele CA274555643.